The following is an entry in ClinVar:

ClinVar aggregate classification (germline): Uncertain significance (1 of 4 stars; one submission).

Conditions:
Charcot-Marie-Tooth disease axonal type 2C (HMSN2C). Also called: CHARCOT-MARIE-TOOTH DISEASE, AXONAL, AUTOSOMAL DOMINANT, TYPE 2C; Charcot-Marie-Tooth Neuropathy Type 2C; Charcot-Marie-Tooth Disease Type 2, TRPV4-Related (CMT2C). Identifiers: Orphanet 99937, MedGen C1853710, MONDO:0011633, OMIM 606071.

gnomAD v4.1: 4 of 1,613,316 alleles (0.00025%); highest among the groups gnomAD compares: South Asian, 0.0022%; no homozygotes.

Submission:

Labcorp Genetics (formerly Invitae), Labcorp
Classification: Uncertain significance for Charcot-Marie-Tooth disease axonal type 2C. Last evaluated: 2024-05-05. Review status: criteria provided, single submitter. Criteria: Invitae Variant Classification Sherloc (09022015). Collection method: clinical testing. Allele origin: germline.
Comment: This sequence change replaces alanine, which is neutral and non-polar, with serine, which is neutral and polar, at codon 869 of the TRPV4 protein (p.Ala869Ser). This variant is not present in population databases (gnomAD no frequency). This variant has not been reported in the literature in individuals affected with TRPV4-related conditions. ClinVar contains an entry for this variant (Variation ID: 1397081). Advanced modeling of protein sequence and biophysical properties (such as structural, functional, and spatial information, amino acid conservation, physicochemical variation, residue mobility, and thermodynamic stability) performed at Invitae indicates that this missense variant is not expected to disrupt TRPV4 protein function with a negative predictive value of 95%. In summary, the available evidence is currently insufficient to determine the role of this variant in disease. Therefore, it has been classified as a Variant of Uncertain Significance.

NM_021625.5(TRPV4):c.2605G>T (p.Ala869Ser)

Gene: TRPV4 (transient receptor potential cation channel subfamily V member 4; minus strand). Cytogenetic location: 12q24.11.
Variant type: single nucleotide variant.
Coding change: c.2605G>T on transcript NM_021625.5 (MANE Select); coding-DNA position 2605, G replaced by T.
Protein change: p.Ala869Ser; replaces alanine 869 with serine.
Molecular consequence: missense variant.
Genome position (GRCh38, 1-based): chr12:109,783,632, C>A on the plus strand (G>T on the coding strand, the complement: TRPV4 is on the minus strand). VCF-style: chr12-109783632-C-A. GRCh37 (hg19) VCF-style: chr12-110221437-C-A.
Other names: c.2284G>T, p.Ala762Ser (NM_001177433.2); c.2425G>T, p.Ala809Ser (NM_147204.3); c.2464G>T, p.Ala822Ser (NM_001177428.2); c.2503G>T, p.Ala835Ser (NM_001177431.2); short protein forms A822S, A835S, A809S, A762S, A869S.
Identifiers: ClinVar variation 1397081 (VCV001397081.6), dbSNP rs138396764, ClinGen allele CA386648175.